The following is an entry in ClinVar:

NM_000051.4(ATM):c.7253_7266del (p.Lys2418fs)

Genes: ATM (ATM serine/threonine kinase; plus strand), C11orf65 (chromosome 11 open reading frame 65; minus strand). Cytogenetic location: 11q22.3.
Variant type: Deletion.
Coding change: c.7253_7266del on transcript NM_000051.4 (MANE Select); coding-DNA positions 7253 to 7266, 14 bases deleted (AAAGAGCCAAAGAG).
Protein change: p.Lys2418fs; shifts the reading frame from lysine 2418.
Molecular consequence: frameshift variant. On other transcripts: intron variant (2).
Genome position (GRCh38, 1-based): chr11:108,329,184-108,329,197, AAAGAGCCAAAGAG deleted. VCF-style (leftmost placement, unchanged base first): chr11-108329183-AAAAGAGCCAAAGAG-A. GRCh37 (hg19) VCF-style: chr11-108199910-AAAAGAGCCAAAGAG-A.
Other names: c.641-20126_641-20113del (NM_001330368.2); c.*38+6023_*38+6036del (NM_001351110.2); c.7253_7266del, p.Lys2418fs (NM_001351834.2); short protein forms K2418fs.
Identifiers: ClinVar variation 545788 (VCV000545788.4), dbSNP rs1555122216, ClinGen allele CA658821317.

ClinVar aggregate classification (germline): Likely pathogenic (1 of 4 stars; one submission).

Submission:

GeneDx
Classification: Likely pathogenic. Last evaluated: 2017-05-19. Review status: criteria provided, single submitter. Criteria: GeneDx Variant Classification (06012015). Collection method: clinical testing. Allele origin: germline. Affected: yes.
Comment: This deletion of 14 nucleotides in ATM is denoted c.7253_7266del14 at the cDNA level and p.Lys2418ArgfsX6 (K2418RfsX6) at the protein level. The surrounding sequence is CTGA[del14]GAAG. The deletion causes a frameshift which changes a Lysine to an Arginine at codon 2418, and creates a premature stop codon at position 6 of the new reading frame. Although this variant has not, to our knowledge, been reported in the literature, it is predicted to cause loss of normal protein function through either protein truncation or nonsense-mediated mRNA decay. Based on the currently available information, we consider this deletion to be a likely pathogenic variant.